The following is an entry in ClinVar:

ClinVar aggregate classification (germline): Pathogenic. Review status: criteria provided, multiple submitters, no conflicts (2 of 4 stars). 2 submissions from 2 submitters: Pathogenic (2). Last evaluated 2025-01-22.

Conditions:
Severe combined immunodeficiency disease. Also called: Severe combined immunodeficiency; Severe Combined Immune Deficiency. Identifiers: Orphanet 183660, MedGen C0085110, MeSH D016511, MONDO:0015974, HP:0004430. Inheritance: X-Linked or Autosomal recessive.
T-B+ severe combined immunodeficiency due to JAK3 deficiency. Also called: SCID, autosomal recessive, T-negative/B-positive type; SCID, T CELL-NEGATIVE, B CELL-POSITIVE, NK CELL-NEGATIVE. Identifiers: Orphanet 35078, MedGen C1833275, MONDO:0010938, OMIM 600802.

Allele frequency attached by ClinVar (database versions not stated): gnomAD exomes below 0.00001; TOPMed below 0.00001; gnomAD 0.00001.

Submissions (2):

Women's Health and Genetics/Laboratory Corporation of America, LabCorp
Classification: Pathogenic for Severe combined immunodeficiency disease. Last evaluated: 2025-01-22. Review status: criteria provided, single submitter. Criteria: LabCorp Variant Classification Summary - May 2015. Collection method: clinical testing. Allele origin: germline.
Comment: Variant summary: JAK3 c.3085dupA (p.Ser1029LysfsX13) results in a premature termination codon, predicted to cause a truncation of the encoded protein or absence of the protein due to nonsense mediated decay, which are commonly known mechanisms for disease. The variant was absent in 249816 control chromosomes. To our knowledge, no occurrence of c.3085dupA in individuals affected with Severe Combined Immunodeficiency and no experimental evidence demonstrating its impact on protein function have been reported. ClinVar contains an entry for this variant (Variation ID: 1705246). Based on the evidence outlined above, the variant was classified as pathogenic.

Labcorp Genetics (formerly Invitae), Labcorp
Classification: Pathogenic for T-B+ severe combined immunodeficiency due to JAK3 deficiency. Last evaluated: 2023-06-04. Review status: criteria provided, single submitter. Criteria: Invitae Variant Classification Sherloc (09022015). Collection method: clinical testing. Allele origin: germline.
Comment: This sequence change creates a premature translational stop signal (p.Ser1029Lysfs*13) in the JAK3 gene. It is expected to result in an absent or disrupted protein product. Loss-of-function variants in JAK3 are known to be pathogenic (PMID: 7481768, 11668621). This variant is not present in population databases (gnomAD no frequency). For these reasons, this variant has been classified as Pathogenic. ClinVar contains an entry for this variant (Variation ID: 1705246). This variant has not been reported in the literature in individuals affected with JAK3-related conditions.

Literature cited by the submitters: PubMed 7481768 (cited by Labcorp Genetics (formerly Invitae), Labcorp); PubMed 11668621 (cited by Labcorp Genetics (formerly Invitae), Labcorp).

NM_000215.4(JAK3):c.3085dup (p.Ser1029fs)

Gene: JAK3 (Janus kinase 3; minus strand). Cytogenetic location: 19p13.11.
Variant type: Duplication.
Coding change: c.3085dup on transcript NM_000215.4 (MANE Select); coding-DNA position 3085, one base duplicated (A; older notation c.3085dupA).
Protein change: p.Ser1029fs; shifts the reading frame from serine 1029.
Molecular consequence: frameshift variant.
Genome position (GRCh38, 1-based): chr19:17,830,514, T duplicated on the plus strand (A on the coding strand, the reverse complement: JAK3 is on the minus strand). VCF-style (leftmost placement, unchanged base first): chr19-17830513-C-CT. GRCh37 (hg19) VCF-style: chr19-17941322-C-CT.
Other names: c.3085dupA (NM_000215.3, NM_000215.4); short protein forms S1029fs.
Identifiers: ClinVar variation 1705246 (VCV001705246.6), dbSNP rs2094211974, ClinGen allele CA994143698.
Genomic context (GRCh38, chr19:17,830,513, plus strand): 5'-GAGGGGCGTGGAGGGAGAAGAAGGCTGGGGGCTCTGGGAAGCCGACTCACGGCCGAGGGG[C>CT]TGCAGCTTTTGTCGCAGTAGGTGAAGAGCTCGTACAGGACGACCCCGAAGCTCCAGACGT-3'